The following is an entry in ClinVar:

NM_004360.5(CDH1):c.1893dup (p.His632fs)

Gene: CDH1 (cadherin 1; plus strand). Cytogenetic location: 16q22.1.
Variant type: Duplication.
Coding change: c.1893dup on transcript NM_004360.5 (MANE Select); coding-DNA position 1893, one base duplicated (A; older notation c.1893dupA).
Protein change: p.His632fs; shifts the reading frame from histidine 632.
Molecular consequence: frameshift variant. On other transcripts: 5 prime UTR variant (1).
Genome position (GRCh38, 1-based): chr16:68,822,182, A duplicated. VCF-style (leftmost placement, unchanged base first): chr16-68822181-C-CA. GRCh37 (hg19) VCF-style: chr16-68856084-C-CA.
Other names: c.1893dupA (NM_004360.3); c.1710dup, p.His571fs (NM_001317184.2); c.345dup, p.His116fs (NM_001317185.2); c.-73dup (NM_001317186.2); short protein forms H571fs, H116fs, H632fs.
Identifiers: ClinVar variation 643727 (VCV000643727.13), dbSNP rs1596963827, ClinGen allele CA915949320.
Genomic context (GRCh38, chr16:68,822,181, plus strand): 5'-TCATAAACATCATTGATGCAGACCTTCCTCCCAATACATCTCCCTTCACAGCAGAACTAA[C>CA]ACACGGGGCGAGTGCCAACTGGACCATTCAGTACAACGACCCAAGTGGGTACCTGAGTTT-3'

ClinVar aggregate classification (germline): Pathogenic. Review status: criteria provided, multiple submitters, no conflicts (2 of 4 stars). 3 submissions from 3 submitters: Pathogenic (3). Last evaluated 2023-06-14.

Conditions:
Hereditary cancer-predisposing syndrome. Also called: Neoplastic Syndromes, Hereditary; Hereditary Cancer Syndrome; Hereditary neoplastic syndrome; Tumor predisposition. Identifiers: Orphanet 140162, MedGen C0027672, MeSH D009386, MONDO:0015356.
Hereditary diffuse gastric adenocarcinoma (HDGC). Also called: DIFFUSE GASTRIC AND LOBULAR BREAST CANCER SYNDROME. Identifiers: Orphanet 26106, MedGen C1708349, MONDO:0007648, OMIM 137215.

Submissions (3):

Myriad Genetics, Inc.
Classification: Pathogenic for Hereditary diffuse gastric adenocarcinoma. Last evaluated: 2023-06-14. Review status: criteria provided, single submitter. Criteria: Myriad Autosomal Dominant, Autosomal Recessive and X-Linked Classification Criteria (2023). Collection method: clinical testing. Allele origin: unknown.
Comment: This variant is considered pathogenic. This variant creates a frameshift predicted to result in premature protein truncation.

Labcorp Genetics (formerly Invitae), Labcorp
Classification: Pathogenic for Hereditary diffuse gastric adenocarcinoma. Last evaluated: 2019-11-22. Review status: criteria provided, single submitter. Criteria: Invitae Variant Classification Sherloc (09022015). Collection method: clinical testing. Allele origin: germline.
Comment: This sequence change creates a premature translational stop signal (p.His632Thrfs*31) in the CDH1 gene. It is expected to result in an absent or disrupted protein product. This variant is not present in population databases (ExAC no frequency). This variant has not been reported in the literature in individuals with CDH1-related conditions. ClinVar contains an entry for this variant (Variation ID: 643727). Loss-of-function variants in CDH1 are known to be pathogenic (PMID: 15235021, 20373070). For these reasons, this variant has been classified as Pathogenic.

Ambry Genetics
Classification: Pathogenic for Hereditary cancer-predisposing syndrome. Last evaluated: 2016-10-03. Review status: criteria provided, single submitter. Criteria: Ambry Variant Classification Scheme 2023. Collection method: clinical testing. Allele origin: germline.
Comment: The c.1893dupA pathogenic mutation, located in coding exon 12 of the CDH1 gene, results from a duplication of A at nucleotide position 1893, causing a translational frameshift with a predicted alternate stop codon. This alteration is expected to result in loss of function by premature protein truncation or nonsense-mediated mRNA decay. As such, this alteration is interpreted as a disease-causing mutation.

Literature cited by the submitters: PubMed 15235021 (cited by Labcorp Genetics (formerly Invitae), Labcorp); PubMed 20373070 (cited by Labcorp Genetics (formerly Invitae), Labcorp).